The following is an entry in ClinVar:

NM_000038.6(APC):c.1409-1508C>A

Gene: APC (APC regulator of WNT signaling pathway; plus strand). Cytogenetic location: 5q22.2.
Variant type: single nucleotide variant.
Coding change: c.1409-1508C>A on transcript NM_000038.6 (MANE Select); 1508 bases into the intron before coding-DNA position 1409, C replaced by A.
Molecular consequence: intron variant.
Genome position (GRCh38, 1-based): chr5:112,825,600, C>A. VCF-style: chr5-112825600-C-A. GRCh37 (hg19) VCF-style: chr5-112161297-C-A.
Other names: c.1409-1508C>A (NM_001354895.2, NM_001127510.3); c.1439-1508C>A (NM_001354897.2); c.1136-1508C>A (NM_001354902.2); c.1355-1508C>A (NM_001127511.3); c.1334-1508C>A (NM_001354898.2); c.1031-1508C>A (NM_001354904.2); c.560-1508C>A (NM_001354906.2); c.1463-1508C>A (NM_001354896.2); and 5 more.
Identifiers: ClinVar variation 82578 (VCV000082578.2), dbSNP rs78153805, ClinGen allele CA004996.
Genomic context (GRCh38, chr5:112,825,600, plus strand): 5'-GCCCCACCCTTGTTAGATACGCATTCATCTGGCCAGACCTGATGGCTCATGCCTGTAATC[C>A]CAGCACTTTGGGAGGCCGAGGCAGGAGAATCACTTGAACCTAGGAGTTCGCAACCAGCTC-3'

ClinVar aggregate classification (germline): other (0 of 4 stars; one submission).

Conditions:
Familial colorectal cancer. Identifiers: MedGen CN280943, MONDO:0023113. Disease mechanism: loss of function.

Submission:

Systems Biology Platform Zhejiang California International NanoSystems Institute
Classification: other for Familial colorectal cancer. Review status: no assertion criteria provided. Collection method: not provided. Allele origin: unknown.
ClinVar note: Converted during submission from cancer to other.